The following is an entry in ClinVar:

NM_001099271.2(POC5):c.793G>C (p.Asp265His)

Gene: POC5 (POC5 centriolar protein; minus strand). Cytogenetic location: 5q13.3.
Variant type: single nucleotide variant.
Coding change: c.793G>C on transcript NM_001099271.2 (MANE Select); coding-DNA position 793, G replaced by C.
Protein change: p.Asp265His; replaces aspartic acid 265 with histidine.
Molecular consequence: missense variant.
Genome position (GRCh38, 1-based): chr5:75,692,398, C>G on the plus strand (G>C on the coding strand, the complement: POC5 is on the minus strand). VCF-style: chr5-75692398-C-G. GRCh37 (hg19) VCF-style: chr5-74988223-C-G.
Other names: c.718G>C, p.Asp240His (NM_152408.3); short protein forms D265H, D240H.
Identifiers: ClinVar variation 2876661 (VCV002876661.3), dbSNP rs1395662640, ClinGen allele CA360147040.

ClinVar aggregate classification (germline): Uncertain significance (1 of 4 stars; one submission).

Allele frequency attached by ClinVar (database versions not stated): gnomAD 0.00002; TOPMed 0.00001.
gnomAD v4.1: 55 of 1,580,124 alleles (0.0035%); highest among the groups gnomAD compares: Non-Finnish European, 0.0046%; no homozygotes.

Submission:

Labcorp Genetics (formerly Invitae), Labcorp
Classification: Uncertain significance. Last evaluated: 2026-01-17. Review status: criteria provided, single submitter. Criteria: Invitae Variant Classification Sherloc (09022015). Collection method: clinical testing. Allele origin: germline.
Comment: This sequence change replaces aspartic acid, which is acidic and polar, with histidine, which is basic and polar, at codon 265 of the POC5 protein (p.Asp265His). This variant is present in population databases (no rsID available, gnomAD 0.0008%). This variant has not been reported in the literature in individuals affected with POC5-related conditions. ClinVar contains an entry for this variant (Variation ID: 2876661). An algorithm developed to predict the effect of missense changes on protein structure and function (PolyPhen-2) suggests that this variant is likely to be disruptive. In summary, the available evidence is currently insufficient to determine the role of this variant in disease. Therefore, it has been classified as a Variant of Uncertain Significance.